The following is an entry in ClinVar:

ClinVar aggregate classification (germline): Uncertain significance. Review status: criteria provided, multiple submitters, no conflicts (2 of 4 stars). 2 submissions from 2 submitters: Uncertain significance (2). Last evaluated 2025-06-16.

Allele frequency attached by ClinVar (database versions not stated): gnomAD 0.00001; gnomAD exomes 0.00001; TOPMed 0.00002; ExAC 0.00003.
gnomAD v4.1: 17 of 1,613,882 alleles (0.0011%); highest among the groups gnomAD compares: Admixed American, 0.023%; no homozygotes.

Submissions (2):

Ambry Genetics
Classification: Uncertain significance. Last evaluated: 2025-06-16. Review status: criteria provided, single submitter. Criteria: Ambry Variant Classification Scheme 2023. Collection method: clinical testing. Allele origin: germline.

Labcorp Genetics (formerly Invitae), Labcorp
Classification: Uncertain significance. Last evaluated: 2022-11-28. Review status: criteria provided, single submitter. Criteria: Invitae Variant Classification Sherloc (09022015). Collection method: clinical testing. Allele origin: germline.
Comment: This sequence change replaces asparagine, which is neutral and polar, with lysine, which is basic and polar, at codon 319 of the CETP protein (p.Asn319Lys). In summary, the available evidence is currently insufficient to determine the role of this variant in disease. Therefore, it has been classified as a Variant of Uncertain Significance. Advanced modeling of protein sequence and biophysical properties (such as structural, functional, and spatial information, amino acid conservation, physicochemical variation, residue mobility, and thermodynamic stability) performed at Invitae indicates that this missense variant is not expected to disrupt CETP protein function. This variant has not been reported in the literature in individuals affected with CETP-related conditions. This variant is present in population databases (rs757683884, gnomAD 0.03%).

NM_000078.3(CETP):c.957C>A (p.Asn319Lys)

Gene: CETP (cholesteryl ester transfer protein; plus strand). Cytogenetic location: 16q13.
Variant type: single nucleotide variant.
Coding change: c.957C>A on transcript NM_000078.3 (MANE Select); coding-DNA position 957, C replaced by A.
Protein change: p.Asn319Lys; replaces asparagine 319 with lysine.
Molecular consequence: missense variant.
Genome position (GRCh38, 1-based): chr16:56,975,127, C>A. VCF-style: chr16-56975127-C-A. GRCh37 (hg19) VCF-style: chr16-57009039-C-A.
Other names: c.777C>A, p.Asn259Lys (NM_001286085.2); c.957C>A (NM_000078.2); short protein forms N259K, N319K.
Identifiers: ClinVar variation 2065275 (VCV002065275.5), dbSNP rs757683884, ClinGen allele CA8071167.